The following is an entry in ClinVar:

ClinVar aggregate classification (germline): Likely pathogenic. Review status: criteria provided, multiple submitters, no conflicts (2 of 4 stars). 2 submissions from 2 submitters: Likely pathogenic (2). Last evaluated 2024-01-04.

Conditions:
Peroxisome biogenesis disorder, complementation group 7 (CG7). Also called: Peroxisome biogenesis disorder, complementation group B. Identifiers: MedGen C1864399.
Peroxisome biogenesis disorder 6A (Zellweger). Also called: Peroxisome biogenesis disorder 6A. Identifiers: Orphanet 912, MedGen C3553947, MONDO:0013936, OMIM 614870.

Submissions (2):

Labcorp Genetics (formerly Invitae), Labcorp
Classification: Likely pathogenic for Peroxisome biogenesis disorder, complementation group 7. Last evaluated: 2024-01-04. Review status: criteria provided, single submitter. Criteria: Invitae Variant Classification Sherloc (09022015). Collection method: clinical testing. Allele origin: germline.
Comment: This sequence change affects a donor splice site in intron 4 of the PEX10 gene. It is expected to disrupt RNA splicing. Variants that disrupt the donor or acceptor splice site typically lead to a loss of protein function (PMID: 16199547), and loss-of-function variants in PEX10 are known to be pathogenic (PMID: 9683594, 10862081, 21031596). This variant is not present in population databases (gnomAD no frequency). This variant has not been reported in the literature in individuals affected with PEX10-related conditions. ClinVar contains an entry for this variant (Variation ID: 1960695). Algorithms developed to predict the effect of sequence changes on RNA splicing suggest that this variant may disrupt the consensus splice site. In summary, the currently available evidence indicates that the variant is pathogenic, but additional data are needed to prove that conclusively. Therefore, this variant has been classified as Likely Pathogenic.

Baylor Genetics
Classification: Likely pathogenic for Peroxisome biogenesis disorder 6A (Zellweger). Last evaluated: 2023-03-16. Review status: criteria provided, single submitter. Criteria: ACMG Guidelines, 2015. Collection method: clinical testing. Allele origin: unknown.

Literature cited by the submitters: PubMed 16199547 (cited by Labcorp Genetics (formerly Invitae), Labcorp); PubMed 9683594 (cited by Labcorp Genetics (formerly Invitae), Labcorp); PubMed 10862081 (cited by Labcorp Genetics (formerly Invitae), Labcorp); PubMed 21031596 (cited by Labcorp Genetics (formerly Invitae), Labcorp).

NM_002617.4(PEX10):c.776+1G>A

Gene: PEX10 (peroxisomal biogenesis factor 10; minus strand). Cytogenetic location: 1p36.32.
Variant type: single nucleotide variant.
Coding change: c.776+1G>A on transcript NM_002617.4 (MANE Select); the canonical splice donor site of the intron after coding-DNA position 776, G replaced by A.
Molecular consequence: splice donor variant.
Genome position (GRCh38, 1-based): chr1:2,406,719, C>T on the plus strand (G>A on the coding strand, the complement: PEX10 is on the minus strand). VCF-style: chr1-2406719-C-T. GRCh37 (hg19) VCF-style: chr1-2338158-C-T.
Other names: c.344+1G>A (NM_001374427.1); c.401+1G>A (NM_001374426.1); c.833+1G>A (NM_001374425.1); c.836+1G>A (NM_153818.2).
Identifiers: ClinVar variation 1960695 (VCV001960695.6), dbSNP rs869312935, ClinGen allele CA337984929.